The following is an entry in ClinVar:

ClinVar aggregate classification (germline): Conflicting classifications of pathogenicity. Review status: criteria provided, conflicting classifications (1 of 4 stars). 2 submissions from 2 submitters: Uncertain significance (1); Likely benign (1). Last evaluated 2025-09-02.

Conditions:
Lethal congenital glycogen storage disease of heart. Also called: GLYCOGEN STORAGE DISEASE OF HEART; PHOSPHORYLASE KINASE DEFICIENCY OF HEART. Identifiers: Orphanet 439854, MedGen C1849813, MONDO:0009867, OMIM 261740.
Hypertrophic cardiomyopathy. Also called: HYPERTROPHIC MYOCARDIOPATHY. Identifiers: Orphanet 217569, MedGen C0007194, MeSH D002312, MONDO:0005045, HP:0001639.

Allele frequency attached by ClinVar (database versions not stated): TOPMed 0.00001.
gnomAD v4.1: 4 of 1,614,160 alleles (0.00025%); highest among the groups gnomAD compares: Admixed American, 0.0067%; no homozygotes.

Submissions (2):

Labcorp Genetics (formerly Invitae), Labcorp
Classification: Likely benign for Lethal congenital glycogen storage disease of heart. Last evaluated: 2025-09-02. Review status: criteria provided, single submitter. Criteria: Invitae Variant Classification Sherloc (09022015). Collection method: clinical testing. Allele origin: germline.

All of Us Research Program, National Institutes of Health
Classification: Uncertain significance for Hypertrophic cardiomyopathy. Last evaluated: 2024-05-09. Review status: criteria provided, single submitter. Criteria: ACMG Guidelines, 2015. Collection method: clinical testing. Allele origin: germline. Inheritance: Autosomal dominant inheritance. Observed: 2 variant alleles, 2 heterozygotes.
Comment: This missense variant replaces glutamic acid with glutamine at codon 188 of the PRKAG2 protein. Computational prediction suggests that this variant may not impact protein structure and function (internally defined REVEL score threshold <= 0.5, PMID: 27666373). To our knowledge, functional studies have not been reported for this variant. This variant has not been reported in individuals affected with PRKAG2-related disorders in the literature. This variant has been identified in 4/251486 chromosomes in the general population by the Genome Aggregation Database (gnomAD). The available evidence is insufficient to determine the role of this variant in disease conclusively. Therefore, this variant is classified as a Variant of Uncertain Significance.

This study involves interpretation of variants in research participants for the purpose of population health screening. Participant phenotype was not available at the time of variant classification. Additional details can be found in publication PMID: 35346344, PMCID: PMC8962531

NM_016203.4(PRKAG2):c.562G>C (p.Glu188Gln)

Gene: PRKAG2 (protein kinase AMP-activated non-catalytic subunit gamma 2; minus strand). Cytogenetic location: 7q36.1.
Variant type: single nucleotide variant.
Coding change: c.562G>C on transcript NM_016203.4 (MANE Select); coding-DNA position 562, G replaced by C.
Protein change: p.Glu188Gln; replaces glutamic acid 188 with glutamine.
Molecular consequence: missense variant.
Genome position (GRCh38, 1-based): chr7:151,675,542, C>G on the plus strand (G>C on the coding strand, the complement: PRKAG2 is on the minus strand). VCF-style: chr7-151675542-C-G. GRCh37 (hg19) VCF-style: chr7-151372628-C-G.
Other names: c.430G>C, p.Glu144Gln (NM_001040633.2); c.190G>C, p.Glu64Gln (NM_001304527.2, NM_001363698.2); short protein forms E144Q, E188Q, E64Q.
Identifiers: ClinVar variation 1014587 (VCV001014587.8), dbSNP rs772303730, ClinGen allele CA057522.